The following is an entry in ClinVar:

ClinVar aggregate classification (germline): Uncertain significance (1 of 4 stars; one submission).

Conditions:
Developmental and epileptic encephalopathy, 58. Also called: EPILEPTIC ENCEPHALOPATHY, EARLY INFANTILE, 58. Identifiers: MedGen C4693367, MONDO:0033367, OMIM 617830.

Submission:

Juno Genomics, Hangzhou Juno Genomics, Inc
Classification: Uncertain significance for Developmental and epileptic encephalopathy, 58. Review status: criteria provided, single submitter. Criteria: ACMG Guidelines, 2015. Collection method: clinical testing. Allele origin: germline.
Comment: Absent from controls (or at extremely low frequency if recessive) in Genome Aggregation Database.;Missense variant in a gene that has a low rate of benign missense variation.;Multiple lines of computational evidence support a deleterious effect on the gene or gene product.

NM_006180.6(NTRK2):c.1841A>G (p.Glu614Gly)

Gene: NTRK2 (neurotrophic receptor tyrosine kinase 2; plus strand). Cytogenetic location: 9q21.33.
Variant type: single nucleotide variant.
Coding change: c.1841A>G on transcript NM_006180.6 (MANE Select); coding-DNA position 1841, A replaced by G.
Protein change: p.Glu614Gly; replaces glutamic acid 614 with glycine.
Molecular consequence: missense variant.
Genome position (GRCh38, 1-based): chr9:84,948,538, A>G. VCF-style: chr9-84948538-A-G. GRCh37 (hg19) VCF-style: chr9-87563453-A-G.
Other names: c.1793A>G, p.Glu598Gly (NM_001018064.3, NM_001369532.1, NM_001369533.1); c.1757A>G, p.Glu586Gly (NM_001369534.1); c.1325A>G, p.Glu442Gly (NM_001369535.1); c.1373A>G, p.Glu458Gly (NM_001369536.1); short protein forms E442G, E458G, E586G, E598G, E614G.
Identifiers: ClinVar variation 5018776 (VCV005018776.2).